The following is an entry in ClinVar:

ClinVar aggregate classification (germline): Uncertain significance (1 of 4 stars; one submission).

Submission:

Labcorp Genetics (formerly Invitae), Labcorp
Classification: Uncertain significance. Last evaluated: 2025-12-11. Review status: criteria provided, single submitter. Criteria: Invitae Variant Classification Sherloc (09022015). Collection method: clinical testing. Allele origin: germline.
Comment: This sequence change replaces glycine, which is neutral and non-polar, with cysteine, which is neutral and slightly polar, at codon 1086 of the CARMIL2 protein (p.Gly1086Cys). This variant is not present in population databases (gnomAD no frequency). This variant has not been reported in the literature in individuals affected with CARMIL2-related conditions. Invitae Evidence Modeling of protein sequence and biophysical properties (such as structural, functional, and spatial information, amino acid conservation, physicochemical variation, residue mobility, and thermodynamic stability) indicates that this missense variant is not expected to disrupt CARMIL2 protein function with a negative predictive value of 80%. In summary, the available evidence is currently insufficient to determine the role of this variant in disease. Therefore, it has been classified as a Variant of Uncertain Significance.

NM_001013838.3(CARMIL2):c.3256G>T (p.Gly1086Cys)

Gene: CARMIL2 (capping protein regulator and myosin 1 linker 2; plus strand). Cytogenetic location: 16q22.1.
Variant type: single nucleotide variant.
Coding change: c.3256G>T on transcript NM_001013838.3 (MANE Select); coding-DNA position 3256, G replaced by T.
Protein change: p.Gly1086Cys; replaces glycine 1086 with cysteine.
Molecular consequence: missense variant.
Genome position (GRCh38, 1-based): chr16:67,654,366, G>T. VCF-style: chr16-67654366-G-T. GRCh37 (hg19) VCF-style: chr16-67688269-G-T.
Other names: c.3148G>T, p.Gly1050Cys (NM_001317026.3, NM_001438244.1, NM_001438835.1); short protein forms G1050C, G1086C.
Identifiers: ClinVar variation 4694935 (VCV004694935.1).